The following is an entry in ClinVar:

NM_005802.5(TOPORS):c.2422G>T (p.Glu808Ter)

Gene: TOPORS (TOP1 binding arginine/serine rich protein, E3 ubiquitin ligase; minus strand). Cytogenetic location: 9p21.1.
Variant type: single nucleotide variant.
Coding change: c.2422G>T on transcript NM_005802.5 (MANE Select); coding-DNA position 2422, G replaced by T.
Protein change: p.Glu808Ter; replaces glutamic acid 808 with a stop codon.
Molecular consequence: nonsense.
Genome position (GRCh38, 1-based): chr9:32,542,103, C>A on the plus strand (G>T on the coding strand, the complement: TOPORS is on the minus strand). VCF-style: chr9-32542103-C-A. GRCh37 (hg19) VCF-style: chr9-32542101-C-A.
Other names: c.2227G>T, p.Glu743Ter (NM_001195622.2); short protein forms E743*, E808*.
Identifiers: ClinVar variation 861205 (VCV000861205.10), dbSNP rs927241903, ClinGen allele CA373163668.

ClinVar aggregate classification (germline): Pathogenic. Review status: criteria provided, multiple submitters, no conflicts (2 of 4 stars). 2 submissions from 2 submitters: Pathogenic (2). Last evaluated 2025-12-14.

Conditions:
Retinal dystrophy. Also called: Inherited retinal dystrophy. Identifiers: Orphanet 71862, MedGen C0854723, MeSH D058499, MONDO:0019118, HP:0000556.

Submissions (2):

Labcorp Genetics (formerly Invitae), Labcorp
Classification: Pathogenic. Last evaluated: 2025-12-14. Review status: criteria provided, single submitter. Criteria: Invitae Variant Classification Sherloc (09022015). Collection method: clinical testing. Allele origin: germline.
Comment: This sequence change creates a premature translational stop signal (p.Glu808*) in the TOPORS gene. While this is not anticipated to result in nonsense mediated decay, it is expected to disrupt the last 238 amino acid(s) of the TOPORS protein. This variant is not present in population databases (gnomAD no frequency). This premature translational stop signal has been observed in individual(s) with autosomal dominant retinitis pigmentosa (PMID: 18509552). It has also been observed to segregate with disease in related individuals. ClinVar contains an entry for this variant (Variation ID: 861205). This variant is located in a region of the TOPORS protein where a significant number of TOPORS nonsense and frameshift mutations have been reported in association with autosomal dominant retinitis pigmentosa (PMID: 35579903, 17924349, 32531858). For these reasons, this variant has been classified as Pathogenic.

Dept Of Ophthalmology, Nagoya University
Classification: Pathogenic for Retinal dystrophy. Last evaluated: 2023-10-01. Review status: criteria provided, single submitter. Criteria: Submitter's publication. Collection method: research. Allele origin: germline. Affected: yes.

Literature cited by the submitters: PubMed 18509552 (cited by Labcorp Genetics (formerly Invitae), Labcorp); PubMed 35579903 (cited by Labcorp Genetics (formerly Invitae), Labcorp); PubMed 17924349 (cited by Labcorp Genetics (formerly Invitae), Labcorp); PubMed 32531858 (cited by Labcorp Genetics (formerly Invitae), Labcorp).